The following is an entry in ClinVar:

NM_001267550.2(TTN):c.16529A>G (p.Tyr5510Cys)

Gene: TTN (titin; minus strand). Cytogenetic location: 2q31.2.
Variant type: single nucleotide variant.
Coding change: c.16529A>G on transcript NM_001267550.2 (MANE Select); coding-DNA position 16529, A replaced by G.
Protein change: p.Tyr5510Cys; replaces tyrosine 5510 with cysteine.
Molecular consequence: missense variant. On other transcripts: intron variant (3).
Genome position (GRCh38, 1-based): chr2:178,732,532, T>C on the plus strand (A>G on the coding strand, the complement: TTN is on the minus strand). VCF-style: chr2-178732532-T-C. GRCh37 (hg19) VCF-style: chr2-179597259-T-C.
Other names: p.Y4266C:TAT>TGT; p.Tyr5193Cys; c.15578A>G, p.Tyr5193Cys (NM_001256850.1); c.12797A>G, p.Tyr4266Cys (NM_133378.4); c.13282+5550A>G (NM_003319.4); c.13858+5550A>G (NM_133437.4); c.13657+5550A>G (NM_133432.3); short protein forms Y5510C, Y4266C, Y5193C.
Identifiers: ClinVar variation 46617 (VCV000046617.81), dbSNP rs72648939, ClinGen allele CA238521.

ClinVar aggregate classification (germline): Benign/Likely benign. Review status: criteria provided, multiple submitters, no conflicts (2 of 4 stars). 29 submissions from 22 submitters: Benign (16); Likely benign (6). 7 of the submissions do not count toward it. Last evaluated 2026-03-27.

Conditions:
Dilated cardiomyopathy 1G (CMD1G). Identifiers: Orphanet 154, MedGen C1858763, MONDO:0011400, OMIM 604145.
Autosomal recessive limb-girdle muscular dystrophy type 2J (LGMDR10). Also called: MUSCULAR DYSTROPHY, LIMB-GIRDLE, AUTOSOMAL RECESSIVE 10; Limb-girdle muscular dystrophy, type 2J. Identifiers: Orphanet 140922, MedGen C1837342, MONDO:0012127, OMIM 608807.
Cardiovascular phenotype. Identifiers: MedGen CN230736.
Cardiomyopathy (CMYO). Also called: Cardiomyopathies. Identifiers: Orphanet 167848, MedGen C0878544, MONDO:0004994, HP:0001638. Inheritance: Various modes of inheritance.
Myopathy, myofibrillar, 9, with early respiratory failure (MFM9). Also called: Myopathy, distal, with early respiratory failure, autosomal dominant; Hereditary myopathy with early respiratory failure; MYOPATHY, PROXIMAL, WITH EARLY RESPIRATORY MUSCLE INVOLVEMENT; EDSTROM MYOPATHY. Identifiers: Orphanet 178464, Orphanet 34521, MedGen C1863599, MONDO:0011362, OMIM 603689.
Early-onset myopathy with fatal cardiomyopathy (CMYO5). Also called: CONGENITAL MYOPATHY 5 WITH CARDIOMYOPATHY; Salih Myopathy. Identifiers: Orphanet 289377, MedGen C2673677, MONDO:0012714, OMIM 611705. Disease mechanism: loss of function.
Tibial muscular dystrophy (TMD). Also called: Udd Distal Myopathy – Tibial Muscular Dystrophy; Tibial muscular dystrophy, tardive; UDD MYOPATHY. Identifiers: Orphanet 609, MedGen C1838244, MONDO:0010870, OMIM 600334.

Allele frequency attached by ClinVar (database versions not stated): ESP Exome Variant Server 0.00025; TOPMed 0.00171; gnomAD 0.00092 and 0.00117; ExAC 0.00224; 1000 Genomes Project 30x 0.00593; gnomAD exomes 0.00227; 1000 Genomes Project 0.00679.
gnomAD v4.1: 1,341 of 1,613,728 alleles (0.083%); highest among the groups gnomAD compares: East Asian, 2.2%; 29 homozygotes.

Submissions (29):

Molecular Diagnostic Laboratory for Inherited Cardiovascular Disease, Montreal Heart Institute
Classification: Benign. Last evaluated: 2026-03-27. Review status: criteria provided, single submitter. Criteria: ACMG Guidelines, 2015. Collection method: clinical testing. Allele origin: germline. Affected: no.
Comment: BS1;BP1

Labcorp Genetics (formerly Invitae), Labcorp
Classification: Benign for Dilated cardiomyopathy 1G; Autosomal recessive limb-girdle muscular dystrophy type 2J. Last evaluated: 2026-02-04. Review status: criteria provided, single submitter. Criteria: Invitae Variant Classification Sherloc (09022015). Collection method: clinical testing. Allele origin: germline.

Mayo Clinic Laboratories, Mayo Clinic
Classification: Benign. Last evaluated: 2025-08-27. Review status: criteria provided, single submitter. Criteria: ACMG Guidelines, 2015. Collection method: clinical testing. Allele origin: germline. Observed: 12 variant alleles.
Comment: BS1, BS2

Blueprint Genetics
Classification: Likely benign. Last evaluated: 2024-11-20. Review status: criteria provided, single submitter. Criteria: ACMG Guidelines, 2015. Collection method: clinical testing. Allele origin: germline.

ARUP Laboratories, Molecular Genetics and Genomics, ARUP Laboratories
Classification: Benign. Last evaluated: 2024-07-25. Review status: criteria provided, single submitter. Criteria: ARUP Molecular Germline Variant Investigation Process 2024. Collection method: clinical testing. Allele origin: germline.

Women's Health and Genetics/Laboratory Corporation of America, LabCorp
Classification: Likely benign. Last evaluated: 2023-01-21. Review status: criteria provided, single submitter. Criteria: LabCorp Variant Classification Summary - May 2015. Collection method: clinical testing. Allele origin: germline.

Genome-Nilou Lab
Classification: Benign for Autosomal recessive limb-girdle muscular dystrophy type 2J. Last evaluated: 2021-09-10. Review status: criteria provided, single submitter. Criteria: ACMG Guidelines, 2015. Collection method: clinical testing. Allele origin: germline. Affected: no.

Genome-Nilou Lab
Classification: Benign for Myopathy, myofibrillar, 9, with early respiratory failure. Last evaluated: 2021-09-10. Review status: criteria provided, single submitter. Criteria: ACMG Guidelines, 2015. Collection method: clinical testing. Allele origin: germline. Affected: no.

Genome-Nilou Lab
Classification: Benign for Early-onset myopathy with fatal cardiomyopathy. Last evaluated: 2021-09-10. Review status: criteria provided, single submitter. Criteria: ACMG Guidelines, 2015. Collection method: clinical testing. Allele origin: germline. Affected: no.

Genome-Nilou Lab
Classification: Benign for Tibial muscular dystrophy. Last evaluated: 2021-09-10. Review status: criteria provided, single submitter. Criteria: ACMG Guidelines, 2015. Collection method: clinical testing. Allele origin: germline. Affected: no.

Athena Diagnostics
Classification: Benign. Last evaluated: 2018-04-09. Review status: criteria provided, single submitter. Criteria: Athena Diagnostics Criteria. Collection method: clinical testing. Allele origin: germline.

Illumina Laboratory Services, Illumina
Classification: Benign for Myopathy, myofibrillar, 9, with early respiratory failure. Last evaluated: 2018-01-12. Review status: criteria provided, single submitter. Criteria: ICSL Variant Classification Criteria 13 December 2019. Collection method: clinical testing. Allele origin: germline.
Comment: This variant was observed in the ICSL laboratory as part of a predisposition screen in an ostensibly healthy population. It had not been previously curated by ICSL or reported in the Human Gene Mutation Database (HGMD: prior to June 1st, 2018), and was therefore a candidate for classification through an automated scoring system. Utilizing variant allele frequency, disease prevalence and penetrance estimates, and inheritance mode, an automated score was calculated to assess if this variant is too frequent to cause the disease. Based on the score and internal cut-off values, a variant classified as benign is not then subjected to further curation. The score for this variant resulted in a classification of benign for this disease.

Illumina Laboratory Services, Illumina
Classification: Benign for Tibial muscular dystrophy. Last evaluated: 2018-01-12. Review status: criteria provided, single submitter. Criteria: ICSL Variant Classification Criteria 13 December 2019. Collection method: clinical testing. Allele origin: germline.
Comment: the same text as in the submission from Illumina Laboratory Services, Illumina above.

Illumina Laboratory Services, Illumina
Classification: Likely benign for Autosomal recessive limb-girdle muscular dystrophy type 2J. Last evaluated: 2018-01-12. Review status: criteria provided, single submitter. Criteria: ICSL Variant Classification Criteria 13 December 2019. Collection method: clinical testing. Allele origin: germline.
Comment: This variant was observed in the ICSL laboratory as part of a predisposition screen in an ostensibly healthy population. It had not been previously curated by ICSL or reported in the Human Gene Mutation Database (HGMD: prior to June 1st, 2018), and was therefore a candidate for classification through an automated scoring system. Utilizing variant allele frequency, disease prevalence and penetrance estimates, and inheritance mode, an automated score was calculated to assess if this variant is too frequent to cause the disease. Based on the score and internal cut-off values, a variant classified as likely benign is not then subjected to further curation. The score for this variant resulted in a classification of likely benign for this disease.

Illumina Laboratory Services, Illumina
Classification: Likely benign for Early-onset myopathy with fatal cardiomyopathy. Last evaluated: 2018-01-12. Review status: criteria provided, single submitter. Criteria: ICSL Variant Classification Criteria 13 December 2019. Collection method: clinical testing. Allele origin: germline.
Comment: the same text as in the submission from Illumina Laboratory Services, Illumina above.

Illumina Laboratory Services, Illumina
Classification: Likely benign for Dilated cardiomyopathy 1G. Last evaluated: 2018-01-12. Review status: criteria provided, single submitter. Criteria: ICSL Variant Classification Criteria 13 December 2019. Collection method: clinical testing. Allele origin: germline.
Comment: the same text as in the submission from Illumina Laboratory Services, Illumina above.

CHEO Genetics Diagnostic Laboratory, Children's Hospital of Eastern Ontario
Classification: Benign for Cardiomyopathy. Last evaluated: 2017-03-22. Review status: criteria provided, single submitter. Criteria: ACMG Guidelines, 2015. Collection method: clinical testing. Allele origin: germline. Study: Canadian Open Genetics Repository.

Laboratory for Molecular Medicine, Mass General Brigham Personalized Medicine
Classification: Benign. Last evaluated: 2015-03-21. Review status: criteria provided, single submitter. Criteria: LMM Criteria. Collection method: clinical testing. Allele origin: germline. Observed: 13 variant alleles.
Comment: p.Tyr4266Cys in exon 53 of TTN: This variant is not expected to have clinical si gnificance because it has been identified in 2.9% (249/8462) of East Asian chrom osomes by the Exome Aggregation Consortium (ExAC ; dbSNP rs72648939).

GeneDx
Classification: Benign. Last evaluated: 2014-07-11. Review status: criteria provided, single submitter. Criteria: GeneDx Variant Classification (06012015). Collection method: clinical testing. Allele origin: germline. Affected: yes.
Comment: This variant is considered likely benign or benign based on one or more of the following criteria: it is a conservative change, it occurs at a poorly conserved position in the protein, it is predicted to be benign by multiple in silico algorithms, and/or has population frequency not consistent with disease.

Eurofins Ntd Llc (ga)
Classification: Benign. Last evaluated: 2013-11-26. Review status: criteria provided, single submitter. Criteria: EGL Classification Definitions 2015. Collection method: clinical testing. Allele origin: germline. Observed: 2 variant alleles, 2 heterozygotes.

Biesecker Lab/Clinical Genomics Section, National Institutes of Health
Classification: Likely benign. Last evaluated: 2013-06-24. Review status: criteria provided, single submitter. Criteria: Ng et al. (Circ Cardiovasc Genet. 2013). Collection method: research. Allele origin: unknown. Observed: 3 variant alleles. Study: ClinSeq.
Comment: The study set was not selected for affection status in relation to any cancer. Pathogenicity categories were based on literature curation. See Pubmed ID:23861362 for details.

Medical sequencing

Ambry Genetics
Classification: Benign for Cardiovascular phenotype. Last evaluated: 2013-01-30. Review status: criteria provided, single submitter. Criteria: Ambry Autosomal Dominant and X-Linked criteria (10/2015). Collection method: clinical testing. Allele origin: germline. Observed: 1 variant allele.

Clinical Genetics DNA and cytogenetics Diagnostics Lab, Erasmus MC, Erasmus Medical Center
Classification: Benign. Review status: no assertion criteria provided. Collection method: clinical testing. Allele origin: germline. Affected: yes. Study: VKGL Data-share Consensus. Not counted in ClinVar's aggregate classification.

Clinical Genetics, Academic Medical Center
Classification: Benign. Review status: no assertion criteria provided. Collection method: clinical testing. Allele origin: germline. Affected: yes. Study: VKGL Data-share Consensus. Not counted in ClinVar's aggregate classification.

Diagnostic Laboratory, Department of Genetics, University Medical Center Groningen
Classification: Likely benign. Review status: no assertion criteria provided. Collection method: clinical testing. Allele origin: germline. Affected: yes. Study: VKGL Data-share Consensus. Not counted in ClinVar's aggregate classification.

Genetic Services Laboratory, University of Chicago
Classification: Likely benign for AllHighlyPenetrant. Review status: no assertion criteria provided. Collection method: clinical testing. Allele origin: germline. Not counted in ClinVar's aggregate classification.
Comment: Likely benign based on allele frequency in 1000 Genomes Project or ESP global frequency and its presence in a patient with a rare or unrelated disease phenotype. NOT Sanger confirmed.

Genome Diagnostics Laboratory, University Medical Center Utrecht
Classification: Benign. Review status: no assertion criteria provided. Collection method: clinical testing. Allele origin: germline. Affected: yes. Study: VKGL Data-share Consensus. Not counted in ClinVar's aggregate classification.

Joint Genome Diagnostic Labs from Nijmegen and Maastricht, Radboudumc and MUMC+
Classification: Benign. Review status: no assertion criteria provided. Collection method: clinical testing. Allele origin: germline. Affected: yes. Study: VKGL Data-share Consensus. Not counted in ClinVar's aggregate classification.

Laboratory of Diagnostic Genome Analysis, Leiden University Medical Center (LUMC)
Classification: Likely benign. Review status: no assertion criteria provided. Collection method: clinical testing. Allele origin: germline. Affected: yes. Study: VKGL Data-share Consensus. Not counted in ClinVar's aggregate classification.